The following is an entry in ClinVar:

ClinVar aggregate classification (germline): Uncertain significance (1 of 4 stars; one submission).

Conditions:
Episodic ataxia type 2 (EA2). Also called: ATAXIA, EPISODIC, WITH NYSTAGMUS; ATAXIA, FAMILIAL PAROXYSMAL; CEREBELLAR ATAXIA, PAROXYSMAL, ACETAZOLAMIDE-RESPONSIVE; CEREBELLOPATHY, HEREDITARY PAROXYSMAL; EPISODIC ATAXIA, NYSTAGMUS-ASSOCIATED; ACETAZOLAMIDE-RESPONSIVE HEREDITARY PAROXYSMAL CEREBELLAR ATAXIA. Identifiers: Orphanet 97, MedGen C1720416, MONDO:0007163, OMIM 108500.
Developmental and epileptic encephalopathy, 42 (DEE42A). Also called: Epileptic encephalopathy, early infantile, 42; DEVELOPMENTAL AND EPILEPTIC ENCEPHALOPATHY 42A; EPILEPTIC ENCEPHALOPATHY, EARLY INFANTILE, 42A. Identifiers: MedGen C4310716, MONDO:0014917, OMIM 617106.

Submission:

Labcorp Genetics (formerly Invitae), Labcorp
Classification: Uncertain significance for Developmental and epileptic encephalopathy, 42; Episodic ataxia type 2. Last evaluated: 2022-10-04. Review status: criteria provided, single submitter. Criteria: Invitae Variant Classification Sherloc (09022015). Collection method: clinical testing. Allele origin: germline.
Comment: In summary, the available evidence is currently insufficient to determine the role of this variant in disease. Therefore, it has been classified as a Variant of Uncertain Significance. Advanced modeling of protein sequence and biophysical properties (such as structural, functional, and spatial information, amino acid conservation, physicochemical variation, residue mobility, and thermodynamic stability) performed at Invitae indicates that this missense variant is not expected to disrupt CACNA1A protein function. This variant has not been reported in the literature in individuals affected with CACNA1A-related conditions. This variant is not present in population databases (gnomAD no frequency). This sequence change replaces threonine, which is neutral and polar, with isoleucine, which is neutral and non-polar, at codon 1182 of the CACNA1A protein (p.Thr1182Ile).

NM_001127222.2(CACNA1A):c.3542C>T (p.Thr1181Ile)

Gene: CACNA1A (calcium voltage-gated channel subunit alpha1 A; minus strand). Cytogenetic location: 19p13.13.
Variant type: single nucleotide variant.
Coding change: c.3542C>T on transcript NM_001127222.2 (MANE Select); coding-DNA position 3542, C replaced by T.
Protein change: p.Thr1181Ile; replaces threonine 1181 with isoleucine.
Molecular consequence: missense variant.
Genome position (GRCh38, 1-based): chr19:13,286,514, G>A on the plus strand (C>T on the coding strand, the complement: CACNA1A is on the minus strand). VCF-style: chr19-13286514-G-A. GRCh37 (hg19) VCF-style: chr19-13397328-G-A.
Other names: c.3554C>T, p.Thr1185Ile (NM_000068.4, NM_023035.3); c.3545C>T, p.Thr1182Ile (NM_001127221.2, NM_001174080.2); short protein forms T1181I, T1185I, T1182I.
Identifiers: ClinVar variation 1955077 (VCV001955077.5), dbSNP rs1250790986, ClinGen allele CA404341163.